The following is an entry in ClinVar:

ClinVar aggregate classification (germline): Uncertain significance (1 of 4 stars; one submission).

Allele frequency attached by ClinVar (database versions not stated): TOPMed 0.00001.

Submission:

GeneDx
Classification: Uncertain significance. Last evaluated: 2021-05-27. Review status: criteria provided, single submitter. Criteria: GeneDx Variant Classification Process June 2021. Collection method: clinical testing. Allele origin: germline. Affected: yes.
Comment: Not observed at significant frequency in large population cohorts (Lek et al., 2016); In silico analysis supports that this missense variant does not alter protein structure/function; Has not been previously published as pathogenic or benign to our knowledge; This variant is associated with the following publications: (PMID: 27535533)

NM_001378120.1(MBD5):c.3899T>G (p.Leu1300Arg)

Gene: MBD5 (methyl-CpG binding domain protein 5; plus strand). Cytogenetic location: 2q23.1.
Variant type: single nucleotide variant.
Coding change: c.3899T>G on transcript NM_001378120.1 (MANE Select); coding-DNA position 3899, T replaced by G.
Protein change: p.Leu1300Arg; replaces leucine 1300 with arginine.
Molecular consequence: missense variant.
Genome position (GRCh38, 1-based): chr2:148,489,531, T>G. VCF-style: chr2-148489531-T-G. GRCh37 (hg19) VCF-style: chr2-149247100-T-G.
Other names: c.3200T>G, p.Leu1067Arg (NM_018328.5); short protein forms L1067R, L1300R.
Identifiers: ClinVar variation 1326475 (VCV001326475.2), dbSNP rs1473923947, ClinGen allele CA348725648.
Genomic context (GRCh38, chr2:148,489,531, plus strand): 5'-CTACACTTCCACCTTTTCAAGATACACCTTGTGAGTTGCAACCGAGGATTGACCCATCTC[T>G]TGGTCAACAGGTGAAGGATGGCCTCGTTGTGGGTGGCCCAGGTGATGCTTCCGTAGATGC-3'
Protein context (NP_001365049.1, residues 1290-1310): CELQPRIDPS[Leu1300Arg]GQQVKDGLVV